The following is an entry in ClinVar:

NM_000426.4(LAMA2):c.1969G>T (p.Glu657Ter)

Gene: LAMA2 (laminin subunit alpha 2; plus strand). Cytogenetic location: 6q22.33.
Variant type: single nucleotide variant.
Coding change: c.1969G>T on transcript NM_000426.4 (MANE Select); coding-DNA position 1969, G replaced by T.
Protein change: p.Glu657Ter; replaces glutamic acid 657 with a stop codon.
Molecular consequence: nonsense.
Genome position (GRCh38, 1-based): chr6:129,252,168, G>T. VCF-style: chr6-129252168-G-T. GRCh37 (hg19) VCF-style: chr6-129573313-G-T.
Other names: c.1969G>T, p.Glu657Ter (NM_001079823.2); short protein forms E657*.
Identifiers: ClinVar variation 2960088 (VCV002960088.3), dbSNP rs1786303769, ClinGen allele CA365610358.

ClinVar aggregate classification (germline): Pathogenic (1 of 4 stars; one submission).

Conditions:
LAMA2-related muscular dystrophy (LAMA2-RD). Also called: Laminin alpha 2-related dystrophy. Identifiers: MedGen C5679788, MONDO:0100228.

Submission:

Labcorp Genetics (formerly Invitae), Labcorp
Classification: Pathogenic for LAMA2-related muscular dystrophy. Last evaluated: 2023-10-14. Review status: criteria provided, single submitter. Criteria: Invitae Variant Classification Sherloc (09022015). Collection method: clinical testing. Allele origin: germline.
Comment: This sequence change creates a premature translational stop signal (p.Glu657*) in the LAMA2 gene. It is expected to result in an absent or disrupted protein product. Loss-of-function variants in LAMA2 are known to be pathogenic (PMID: 18700894, 32904964). This variant is not present in population databases (gnomAD no frequency). This variant has not been reported in the literature in individuals affected with LAMA2-related conditions. For these reasons, this variant has been classified as Pathogenic.

Literature cited by the submitters: PubMed 18700894; PubMed 32904964.